The following is an entry in ClinVar:

NM_006767.4(LZTR1):c.1492G>A (p.Gly498Ser)

Gene: LZTR1 (leucine zipper like post translational regulator 1; plus strand). Cytogenetic location: 22q11.21.
Variant type: single nucleotide variant.
Coding change: c.1492G>A on transcript NM_006767.4 (MANE Select); coding-DNA position 1492, G replaced by A.
Protein change: p.Gly498Ser; replaces glycine 498 with serine.
Molecular consequence: missense variant.
Genome position (GRCh38, 1-based): chr22:20,994,146, G>A. VCF-style: chr22-20994146-G-A. GRCh37 (hg19) VCF-style: chr22-21348435-G-A.
Other names: short protein forms G498S.
Identifiers: ClinVar variation 1037339 (VCV001037339.11), dbSNP rs779080464, ClinGen allele CA10118918.

ClinVar aggregate classification (germline): Conflicting classifications of pathogenicity. Review status: criteria provided, conflicting classifications (1 of 4 stars). 4 submissions from 4 submitters: Uncertain significance (3); Likely benign (1). Last evaluated 2026-01-05.

Conditions:
Hereditary cancer-predisposing syndrome. Also called: Tumor predisposition; Hereditary Cancer Syndrome; Hereditary neoplastic syndrome; Neoplastic Syndromes, Hereditary. Identifiers: Orphanet 140162, MedGen C0027672, MeSH D009386, MONDO:0015356.
Cardiovascular phenotype. Identifiers: MedGen CN230736.

Allele frequency attached by ClinVar (database versions not stated): gnomAD 0.00001 and 0.00002; TOPMed 0.00006.
gnomAD v4.1: 19 of 1,593,820 alleles (0.0012%); highest among the groups gnomAD compares: East Asian, 0.0045%; no homozygotes.

Submissions (4):

Labcorp Genetics (formerly Invitae), Labcorp
Classification: Uncertain significance. Last evaluated: 2026-01-05. Review status: criteria provided, single submitter. Criteria: Invitae Variant Classification Sherloc (09022015). Collection method: clinical testing. Allele origin: germline.
Comment: This sequence change replaces glycine, which is neutral and non-polar, with serine, which is neutral and polar, at codon 498 of the LZTR1 protein (p.Gly498Ser). This variant is present in population databases (rs779080464, gnomAD 0.005%). This variant has not been reported in the literature in individuals affected with LZTR1-related conditions. ClinVar contains an entry for this variant (Variation ID: 1037339). Invitae Evidence Modeling of protein sequence and biophysical properties (such as structural, functional, and spatial information, amino acid conservation, physicochemical variation, residue mobility, and thermodynamic stability) indicates that this missense variant is not expected to disrupt LZTR1 protein function with a negative predictive value of 80%. In summary, the available evidence is currently insufficient to determine the role of this variant in disease. Therefore, it has been classified as a Variant of Uncertain Significance.

Dasa
Classification: Uncertain significance. Last evaluated: 2025-12-05. Review status: criteria provided, single submitter. Criteria: DASA Assertion Criteria. Collection method: clinical testing. Allele origin: germline.
Comment: NM_006767.4(LZTR1):c.1492G>A (p.Gly498Ser) is a missense variant that results in the substitution of glycine with serine. Multiple computational predictions suggest no deleterious effect on the gene or gene product. The variant is present at low frequency in population datasets. Based on the available data, this variant is classified as variant of uncertain significance.

GeneDx
Classification: Uncertain significance. Last evaluated: 2024-07-16. Review status: criteria provided, single submitter. Criteria: GeneDx Variant Classification Process June 2021. Collection method: clinical testing. Allele origin: germline. Affected: yes.
Comment: Not observed at significant frequency in large population cohorts (gnomAD); In silico analysis indicates that this missense variant does not alter protein structure/function; Has not been previously published as pathogenic or benign to our knowledge

Ambry Genetics
Classification: Likely benign for Cardiovascular phenotype; Hereditary cancer-predisposing syndrome. Last evaluated: 2024-01-08. Review status: criteria provided, single submitter. Criteria: Ambry Variant Classification Scheme 2023. Collection method: clinical testing. Allele origin: germline.